The following is an entry in ClinVar:

NM_001378969.1(KCND3):c.-72-311T>C

Gene: KCND3 (potassium voltage-gated channel subfamily D member 3; minus strand). Cytogenetic location: 1p13.2.
Variant type: single nucleotide variant.
Coding change: c.-72-311T>C on transcript NM_001378969.1 (MANE Select); 311 bases into the intron before 72 bases upstream of the start codon, T replaced by C.
Molecular consequence: intron variant.
Genome position (GRCh38, 1-based): chr1:111,983,109, A>G on the plus strand (T>C on the coding strand, the complement: KCND3 is on the minus strand). VCF-style: chr1-111983109-A-G. GRCh37 (hg19) VCF-style: chr1-112525731-A-G.
Other names: c.-72-311T>C (NM_001378970.1, NM_172198.3, NM_004980.5).
Identifiers: ClinVar variation 683549 (VCV000683549.1), dbSNP rs12076038, ClinGen allele CA29326362.
Genomic context (GRCh38, chr1:111,983,109, plus strand): 5'-CTCCAAGAGGGCTCAAGAGCATTTGGAGGGAAGGCCTCTTTAGCAGGAAGATCTGGCAAG[A>G]CGTGGGTAATAATCAGCTCTGAAAGGTTATGGCGTTATTACCAATTTAAATTGGGAGAGG-3'

ClinVar aggregate classification (germline): Benign (1 of 4 stars; one submission).

Allele frequency attached by ClinVar (database versions not stated): gnomAD 0.04246 and 0.04301; TOPMed 0.04742; 1000 Genomes Project 30x 0.06824; 1000 Genomes Project 0.06869.
gnomAD v4.1: 6,412 of 152,288 alleles (4.2%); highest among the groups gnomAD compares: African/African-American, 13%; 356 homozygotes.

Submission:

GeneDx
Classification: Benign. Last evaluated: 2018-06-16. Review status: criteria provided, single submitter. Criteria: GeneDx Variant Classification (06012015). Collection method: clinical testing. Allele origin: germline. Affected: yes.
Comment: This variant is considered likely benign or benign based on one or more of the following criteria: it is a conservative change, it occurs at a poorly conserved position in the protein, it is predicted to be benign by multiple in silico algorithms, and/or has population frequency not consistent with disease.